The following is an entry in ClinVar:

ClinVar aggregate classification (germline): Likely pathogenic (1 of 4 stars; one submission).

gnomAD v4.1: 1 of 1,614,042 alleles (0.000062%); highest among the groups gnomAD compares: Admixed American, 0.0017%; no homozygotes.

Submission:

Labcorp Genetics (formerly Invitae), Labcorp
Classification: Likely pathogenic. Last evaluated: 2017-08-21. Review status: criteria provided, single submitter. Criteria: Invitae Variant Classification Sherloc (09022015). Collection method: clinical testing. Allele origin: germline.
Comment: Algorithms developed to predict the effect of sequence changes on RNA splicing suggest that this variant may disrupt the consensus splice site, but this prediction has not been confirmed by published transcriptional studies. This sequence change affects an acceptor splice site in intron 8 of the CAT gene. It is expected to disrupt RNA splicing and likely results in an absent or disrupted protein product. This variant is not present in population databases (ExAC no frequency). This variant has not been reported in the literature in individuals with CAT-related disease. Donor and acceptor splice site variants typically lead to a loss of protein function (PMID: 16199547), and loss-of-function variants in CAT are known to be pathogenic (PMID: 2308162, 11001624). In summary, the currently available evidence indicates that the variant is pathogenic, but additional data are needed to prove that conclusively. Therefore, this variant has been classified as Likely Pathogenic.

Literature cited by the submitters: PubMed 16199547; PubMed 2308162; PubMed 11001624.

NM_001752.4(CAT):c.1057-2A>G

Gene: CAT (catalase; plus strand). Cytogenetic location: 11p13.
Variant type: single nucleotide variant.
Coding change: c.1057-2A>G on transcript NM_001752.4 (MANE Select); the canonical splice acceptor site of the intron before coding-DNA position 1057, A replaced by G.
Molecular consequence: splice acceptor variant.
Genome position (GRCh38, 1-based): chr11:34,461,249, A>G. VCF-style: chr11-34461249-A-G. GRCh37 (hg19) VCF-style: chr11-34482796-A-G.
Identifiers: ClinVar variation 1033865 (VCV001033865.8), dbSNP rs916309338, ClinGen allele CA380042507.